The following is an entry in ClinVar:

NM_005982.4(SIX1):c.754A>T (p.Thr252Ser)

Gene: SIX1 (SIX homeobox 1; minus strand). Cytogenetic location: 14q23.1.
Variant type: single nucleotide variant.
Coding change: c.754A>T on transcript NM_005982.4 (MANE Select); coding-DNA position 754, A replaced by T.
Protein change: p.Thr252Ser; replaces threonine 252 with serine.
Molecular consequence: missense variant. On other transcripts: 3 prime UTR variant (1).
Genome position (GRCh38, 1-based): chr14:60,646,384, T>A on the plus strand (A>T on the coding strand, the complement: SIX1 is on the minus strand). VCF-style: chr14-60646384-T-A. GRCh37 (hg19) VCF-style: chr14-61113102-T-A.
Other names: c.*173A>T (NM_001425142.1); short protein forms T252S.
Identifiers: ClinVar variation 4788264 (VCV004788264.1).

ClinVar aggregate classification (germline): Uncertain significance (1 of 4 stars; one submission).

Conditions:
Autosomal dominant nonsyndromic hearing loss 23. Identifiers: Orphanet 90635, MedGen C1854594, MONDO:0011519, OMIM 605192.
Branchiootic syndrome 3 (BOS3). Also called: BO SYNDROME 3. Identifiers: MedGen C1842124, MONDO:0012025, OMIM 608389.

gnomAD v4.1: 13 of 1,613,876 alleles (0.00081%); highest among the groups gnomAD compares: African/African-American, 0.017%; no homozygotes.

Submission:

Labcorp Genetics (formerly Invitae), Labcorp
Classification: Uncertain significance for Autosomal dominant nonsyndromic hearing loss 23; Branchiootic syndrome 3. Last evaluated: 2025-04-21. Review status: criteria provided, single submitter. Criteria: Invitae Variant Classification Sherloc (09022015). Collection method: clinical testing. Allele origin: germline.
Comment: This sequence change replaces threonine, which is neutral and polar, with serine, which is neutral and polar, at codon 252 of the SIX1 protein (p.Thr252Ser). This variant is present in population databases (rs200205240, gnomAD 0.03%). This variant has not been reported in the literature in individuals affected with SIX1-related conditions. An algorithm developed to predict the effect of missense changes on protein structure and function (PolyPhen-2) suggests that this variant is likely to be tolerated. In summary, the available evidence is currently insufficient to determine the role of this variant in disease. Therefore, it has been classified as a Variant of Uncertain Significance.